The following is an entry in ClinVar:

ClinVar aggregate classification (germline): Uncertain significance (1 of 4 stars; one submission).

Conditions:
Autosomal recessive distal spinal muscular atrophy 1. Also called: HMN VI; NEURONOPATHY, DISTAL HEREDITARY MOTOR, HARDING TYPE VI; NEUROPATHY, DISTAL HEREDITARY MOTOR, AUTOSOMAL RECESSIVE 1; NEURONOPATHY, SEVERE INFANTILE AXONAL, WITH RESPIRATORY FAILURE; SEVERE INFANTILE AXONAL NEUROPATHY WITH RESPIRATORY FAILURE; SPINAL MUSCULAR ATROPHY, DIAPHRAGMATIC. Identifiers: Orphanet 98920, MedGen C1858517, MONDO:0011436, OMIM 604320.

Submission:

3billion
Classification: Uncertain significance for Autosomal recessive distal spinal muscular atrophy 1. Last evaluated: 2024-12-10. Review status: criteria provided, single submitter. Criteria: ACMG Guidelines, 2015. Collection method: clinical testing. Allele origin: germline. Affected: yes.
Comment: The variant is not observed in the gnomAD v4.1.0 dataset. Predicted Consequence/Location: Intron variant In silico tools predict the variant to alter splicing and produce an abnormal transcript [SpliceAI: 0.84 (>=0.2, moderate evidence for spliceogenicity)]. Therefore, this variant is classified as VUS according to the recommendation of ACMG/AMP guideline.

NM_002180.3(IGHMBP2):c.547+4A>G

Gene: IGHMBP2 (immunoglobulin mu DNA binding protein 2; plus strand). Cytogenetic location: 11q13.3.
Variant type: single nucleotide variant.
Coding change: c.547+4A>G on transcript NM_002180.3 (MANE Select); 4 bases into the intron after coding-DNA position 547, A replaced by G.
Molecular consequence: intron variant.
Genome position (GRCh38, 1-based): chr11:68,908,635, A>G. VCF-style: chr11-68908635-A-G. GRCh37 (hg19) VCF-style: chr11-68676103-A-G.
Identifiers: ClinVar variation 4292809 (VCV004292809.1).